The following is an entry in ClinVar:

ClinVar aggregate classification (germline): Uncertain significance (1 of 4 stars; one submission).

Conditions:
Perlman syndrome (PRLMNS). Identifiers: Orphanet 2849, MedGen C0796113, MONDO:0009965, OMIM 267000.

Allele frequency attached by ClinVar (database versions not stated): gnomAD exomes below 0.00001.
gnomAD v4.1: 1 of 1,614,136 alleles (0.000062%); highest among the groups gnomAD compares: Non-Finnish European, 0.000085%; no homozygotes.

Submission:

Labcorp Genetics (formerly Invitae), Labcorp
Classification: Uncertain significance for Perlman syndrome. Last evaluated: 2022-05-16. Review status: criteria provided, single submitter. Criteria: Invitae Variant Classification Sherloc (09022015). Collection method: clinical testing. Allele origin: germline.
Comment: In summary, the available evidence is currently insufficient to determine the role of this variant in disease. Therefore, it has been classified as a Variant of Uncertain Significance. Algorithms developed to predict the effect of sequence changes on RNA splicing suggest that this variant may create or strengthen a splice site. Algorithms developed to predict the effect of missense changes on protein structure and function output the following: SIFT: "Tolerated"; PolyPhen-2: "Benign"; Align-GVGD: "Class C0". The serine amino acid residue is found in multiple mammalian species, which suggests that this missense change does not adversely affect protein function. ClinVar contains an entry for this variant (Variation ID: 933995). This variant has not been reported in the literature in individuals affected with DIS3L2-related conditions. This variant is not present in population databases (gnomAD no frequency). This sequence change replaces asparagine, which is neutral and polar, with serine, which is neutral and polar, at codon 184 of the DIS3L2 protein (p.Asn184Ser).

NM_152383.5(DIS3L2):c.551A>G (p.Asn184Ser)

Gene: DIS3L2 (DIS3 like 3'-5' exoribonuclease 2; plus strand). Cytogenetic location: 2q37.1.
Variant type: single nucleotide variant.
Coding change: c.551A>G on transcript NM_152383.5 (MANE Select); coding-DNA position 551, A replaced by G.
Protein change: p.Asn184Ser; replaces asparagine 184 with serine.
Molecular consequence: missense variant. On other transcripts: non-coding transcript variant (2).
Genome position (GRCh38, 1-based): chr2:232,087,671, A>G. VCF-style: chr2-232087671-A-G. GRCh37 (hg19) VCF-style: chr2-232952381-A-G.
Other names: c.551A>G, p.Asn184Ser (NM_001257281.2, NM_001257282.2); short protein forms N184S.
Identifiers: ClinVar variation 933995 (VCV000933995.9), dbSNP rs1696705440, ClinGen allele CA351155231.
Genomic context (GRCh38, chr2:232,087,671, plus strand): 5'-TCATTGTAGAGGCTCAGTTTGATGGCAGCGACTCAGAAGATGGACATGGCATCACACAAA[A>G]TGTGCTGGTTGATGGTGTTAAGAAACTCTCAGTTTGTGTTTCTGAGAAAGGTGAGTACTA-3'
Protein context (NP_689596.4, residues 174-194): DSEDGHGITQ[Asn184Ser]VLVDGVKKLS